The following is an entry in ClinVar:

NM_001378964.1(CDON):c.3784C>T (p.Arg1262Trp)

Gene: CDON (cell adhesion associated, oncogene regulated; minus strand). Cytogenetic location: 11q24.2.
Variant type: single nucleotide variant.
Coding change: c.3784C>T on transcript NM_001378964.1 (MANE Select); coding-DNA position 3784, C replaced by T.
Protein change: p.Arg1262Trp; replaces arginine 1262 with tryptophan.
Molecular consequence: missense variant.
Genome position (GRCh38, 1-based): chr11:125,960,953, G>A on the plus strand (C>T on the coding strand, the complement: CDON is on the minus strand). VCF-style: chr11-125960953-G-A. GRCh37 (hg19) VCF-style: chr11-125830848-G-A.
Other names: c.3853C>T, p.Arg1285Trp (NM_001243597.3); c.3784C>T, p.Arg1262Trp (NM_016952.6); short protein forms R1285W, R1262W.
Identifiers: ClinVar variation 1347932 (VCV001347932.6), dbSNP rs189599953, ClinGen allele CA6351285.
Genomic context (GRCh38, chr11:125,960,953, plus strand): 5'-GTGCAGTTACCGGCTTGAAGTTGGAACATGACTGGTTGTTTGCATGTCCTCAGGTTTCCC[G>A]GGGCTGCTGAAGGACCTCTGTCGGGCTGTCTAAAGGAATGCCAGGTGGAGACCACATTGT-3'
Protein context (NP_001365893.1, residues 1252-1264): DSPTEVLQQP[Arg1262Trp]ET

ClinVar aggregate classification (germline): Uncertain significance (1 of 4 stars; one submission).

Conditions:
Holoprosencephaly 11 (HPE11). Identifiers: Orphanet 2162, MedGen C3280215, MONDO:0013642, OMIM 614226.

Allele frequency attached by ClinVar (database versions not stated): gnomAD 0.00002 and 0.00004; TOPMed 0.00005; ExAC 0.00007; gnomAD exomes 0.00008; 1000 Genomes Project 0.00040; 1000 Genomes Project 30x 0.00047.
gnomAD v4.1: 47 of 1,614,098 alleles (0.0029%); highest among the groups gnomAD compares: Admixed American, 0.038%; no homozygotes.

Submission:

Labcorp Genetics (formerly Invitae), Labcorp
Classification: Uncertain significance for Holoprosencephaly 11. Last evaluated: 2025-12-21. Review status: criteria provided, single submitter. Criteria: Invitae Variant Classification Sherloc (09022015). Collection method: clinical testing. Allele origin: germline.
Comment: This sequence change replaces arginine, which is basic and polar, with tryptophan, which is neutral and slightly polar, at codon 1262 of the CDON protein (p.Arg1262Trp). This variant is present in population databases (rs189599953, gnomAD 0.03%). This variant has not been reported in the literature in individuals affected with CDON-related conditions. ClinVar contains an entry for this variant (Variation ID: 1347932). An algorithm developed to predict the effect of missense changes on protein structure and function (PolyPhen-2) suggests that this variant is likely to be disruptive. In summary, the available evidence is currently insufficient to determine the role of this variant in disease. Therefore, it has been classified as a Variant of Uncertain Significance.